The following is an entry in ClinVar:

ClinVar aggregate classification (germline): Uncertain significance (1 of 4 stars; one submission).

Conditions:
Legius syndrome. Identifiers: Orphanet 137605, MedGen C1969623, MONDO:0012669, OMIM 611431. Disease mechanism: loss of function.

Submission:

Labcorp Genetics (formerly Invitae), Labcorp
Classification: Uncertain significance for Legius syndrome. Last evaluated: 2018-07-22. Review status: criteria provided, single submitter. Criteria: Invitae Variant Classification Sherloc (09022015). Collection method: clinical testing. Allele origin: germline.
Comment: This sequence change replaces leucine with arginine at codon 101 of the SPRED1 protein (p.Leu101Arg). The leucine residue is highly conserved and there is a moderate physicochemical difference between leucine and arginine. This variant is not present in population databases (ExAC no frequency). This variant has not been reported in the literature in individuals with SPRED1-related disease. Algorithms developed to predict the effect of missense changes on protein structure and function (SIFT, PolyPhen-2, Align-GVGD) all suggest that this variant is likely to be disruptive, but these predictions have not been confirmed by published functional studies and their clinical significance is uncertain. Algorithms developed to predict the effect of sequence changes on RNA splicing suggest that this variant may create or strengthen a splice site, but this prediction has not been confirmed by published transcriptional studies. In summary, the available evidence is currently insufficient to determine the role of this variant in disease. Therefore, it has been classified as a Variant of Uncertain Significance.

NM_152594.3(SPRED1):c.302T>G (p.Leu101Arg)

Gene: SPRED1 (sprouty related EVH1 domain containing 1; plus strand). Cytogenetic location: 15q14.
Variant type: single nucleotide variant.
Coding change: c.302T>G on transcript NM_152594.3 (MANE Select); coding-DNA position 302, T replaced by G.
Protein change: p.Leu101Arg; replaces leucine 101 with arginine.
Molecular consequence: missense variant.
Genome position (GRCh38, 1-based): chr15:38,322,335, T>G. VCF-style: chr15-38322335-T-G. GRCh37 (hg19) VCF-style: chr15-38614536-T-G.
Other names: short protein forms L101R.
Identifiers: ClinVar variation 640617 (VCV000640617.9), dbSNP rs1595746820, ClinGen allele CA391932103.